The following is an entry in ClinVar:

ClinVar aggregate classification (germline): Uncertain significance (1 of 4 stars; one submission).

Conditions:
Atrial fibrillation, familial, 11 (ATFB11). Identifiers: MedGen C3279693, MONDO:0013544, OMIM 614049.
Atrial standstill 1 (ATRST1). Also called: ATRIAL CARDIOMYOPATHY WITH HEART BLOCK; CARDIOMYOPATHY, FAMILIAL, WITH CONDUCTION DISTURBANCE; Atrial standstill, digenic (GJA5/SCN5A). Identifiers: Orphanet 1344, MedGen C4551959, MONDO:0007171, OMIM 108770.

Allele frequency attached by ClinVar (database versions not stated): gnomAD exomes 0.00001; TOPMed 0.00001.

Submission:

Labcorp Genetics (formerly Invitae), Labcorp
Classification: Uncertain significance for Atrial fibrillation, familial, 11; Atrial standstill 1. Last evaluated: 2021-11-22. Review status: criteria provided, single submitter. Criteria: Invitae Variant Classification Sherloc (09022015). Collection method: clinical testing. Allele origin: germline.
Comment: This sequence change replaces arginine, which is basic and polar, with cysteine, which is neutral and slightly polar, at codon 106 of the GJA5 protein (p.Arg106Cys). This variant is present in population databases (no rsID available, gnomAD 0.003%). This variant has not been reported in the literature in individuals affected with GJA5-related conditions. Algorithms developed to predict the effect of missense changes on protein structure and function are either unavailable or do not agree on the potential impact of this missense change (SIFT: "Deleterious"; PolyPhen-2: "Probably Damaging"; Align-GVGD: "Class C0"). In summary, the available evidence is currently insufficient to determine the role of this variant in disease. Therefore, it has been classified as a Variant of Uncertain Significance.

NM_181703.4(GJA5):c.316C>T (p.Arg106Cys)

Gene: GJA5 (gap junction protein alpha 5; minus strand). Cytogenetic location: 1q21.2.
Variant type: single nucleotide variant.
Coding change: c.316C>T on transcript NM_181703.4 (MANE Select); coding-DNA position 316, C replaced by T.
Protein change: p.Arg106Cys; replaces arginine 106 with cysteine.
Molecular consequence: missense variant.
Genome position (GRCh38, 1-based): chr1:147,758,923, G>A on the plus strand (C>T on the coding strand, the complement: GJA5 is on the minus strand). VCF-style: chr1-147758923-G-A. GRCh37 (hg19) VCF-style: chr1-147231031-G-A.
Other names: c.316C>T, p.Arg106Cys (NM_005266.7); short protein forms R106C.
Identifiers: ClinVar variation 1419750 (VCV001419750.6), dbSNP rs1553227043, ClinGen allele CA342397002.